The following is an entry in ClinVar:

NM_003803.4(MYOM1):c.3490A>C (p.Thr1164Pro)

Gene: MYOM1 (myomesin 1; minus strand). Cytogenetic location: 18p11.31.
Variant type: single nucleotide variant.
Coding change: c.3490A>C on transcript NM_003803.4 (MANE Select); coding-DNA position 3490, A replaced by C.
Protein change: p.Thr1164Pro; replaces threonine 1164 with proline.
Molecular consequence: missense variant.
Genome position (GRCh38, 1-based): chr18:3,102,559, T>G on the plus strand (A>C on the coding strand, the complement: MYOM1 is on the minus strand). VCF-style: chr18-3102559-T-G. GRCh37 (hg19) VCF-style: chr18-3102557-T-G.
Other names: c.3202A>C, p.Thr1068Pro (NM_019856.2); short protein forms T1068P, T1164P.
Identifiers: ClinVar variation 3644711 (VCV003644711.2).

ClinVar aggregate classification (germline): Uncertain significance (1 of 4 stars; one submission).

Conditions:
Hypertrophic cardiomyopathy. Also called: HYPERTROPHIC MYOCARDIOPATHY. Identifiers: Orphanet 217569, MedGen C0007194, MeSH D002312, MONDO:0005045, HP:0001639.

Submission:

Labcorp Genetics (formerly Invitae), Labcorp
Classification: Uncertain significance for Hypertrophic cardiomyopathy. Last evaluated: 2024-03-15. Review status: criteria provided, single submitter. Criteria: Invitae Variant Classification Sherloc (09022015). Collection method: clinical testing. Allele origin: germline.
Comment: This sequence change replaces threonine, which is neutral and polar, with proline, which is neutral and non-polar, at codon 1164 of the MYOM1 protein (p.Thr1164Pro). This variant is not present in population databases (gnomAD no frequency). This variant has not been reported in the literature in individuals affected with MYOM1-related conditions. Advanced modeling of protein sequence and biophysical properties (such as structural, functional, and spatial information, amino acid conservation, physicochemical variation, residue mobility, and thermodynamic stability) performed at Invitae indicates that this missense variant is not expected to disrupt MYOM1 protein function with a negative predictive value of 80%. In summary, the available evidence is currently insufficient to determine the role of this variant in disease. Therefore, it has been classified as a Variant of Uncertain Significance.